The following is an entry in ClinVar:

NM_015295.3(SMCHD1):c.3649A>G (p.Ile1217Val)

Gene: SMCHD1 (structural maintenance of chromosomes flexible hinge domain containing 1; plus strand). Cytogenetic location: 18p11.32.
Variant type: single nucleotide variant.
Coding change: c.3649A>G on transcript NM_015295.3 (MANE Select); coding-DNA position 3649, A replaced by G.
Protein change: p.Ile1217Val; replaces isoleucine 1217 with valine.
Molecular consequence: missense variant.
Genome position (GRCh38, 1-based): chr18:2,743,776, A>G. VCF-style: chr18-2743776-A-G. GRCh37 (hg19) VCF-style: chr18-2743774-A-G.
Other names: short protein forms I1217V.
Identifiers: ClinVar variation 4808581 (VCV004808581.1).

ClinVar aggregate classification (germline): Uncertain significance (1 of 4 stars; one submission).

Conditions:
Facioscapulohumeral muscular dystrophy 2 (FSHD2). Also called: FACIOSCAPULOHUMERAL MUSCULAR DYSTROPHY 2, DIGENIC; FSHD2, DIGENIC; MUSCULAR DYSTROPHY, FACIOSCAPULOHUMERAL, TYPE 1B. Identifiers: Orphanet 269, MedGen C1834671, MONDO:0008031, OMIM 158901.

gnomAD v4.1: 5 of 1,611,162 alleles (0.00031%); highest among the groups gnomAD compares: East Asian, 0.0022%; no homozygotes.

Submission:

Labcorp Genetics (formerly Invitae), Labcorp
Classification: Uncertain significance for Facioscapulohumeral muscular dystrophy 2. Last evaluated: 2025-03-19. Review status: criteria provided, single submitter. Criteria: Invitae Variant Classification Sherloc (09022015). Collection method: clinical testing. Allele origin: germline.
Comment: This sequence change replaces isoleucine, which is neutral and non-polar, with valine, which is neutral and non-polar, at codon 1217 of the SMCHD1 protein (p.Ile1217Val). This variant is not present in population databases (gnomAD no frequency). This missense change has been observed in individual(s) with SMCHD1-related conditions (PMID: 37674478). Invitae Evidence Modeling of protein sequence and biophysical properties (such as structural, functional, and spatial information, amino acid conservation, physicochemical variation, residue mobility, and thermodynamic stability) indicates that this missense variant is not expected to disrupt SMCHD1 protein function with a negative predictive value of 80%. In summary, the available evidence is currently insufficient to determine the role of this variant in disease. Therefore, it has been classified as a Variant of Uncertain Significance.

Literature cited by the submitters: PubMed 37674478.